The following is an entry in ClinVar:

NM_007055.4(POLR3A):c.1622C>G (p.Ala541Gly)

Gene: POLR3A (RNA polymerase III subunit A; minus strand). Cytogenetic location: 10q22.3.
Variant type: single nucleotide variant.
Coding change: c.1622C>G on transcript NM_007055.4 (MANE Select); coding-DNA position 1622, C replaced by G.
Protein change: p.Ala541Gly; replaces alanine 541 with glycine.
Molecular consequence: missense variant.
Genome position (GRCh38, 1-based): chr10:78,010,491, G>C on the plus strand (C>G on the coding strand, the complement: POLR3A is on the minus strand). VCF-style: chr10-78010491-G-C. GRCh37 (hg19) VCF-style: chr10-79770249-G-C.
Other names: short protein forms A541G.
Identifiers: ClinVar variation 1389402 (VCV001389402.5), dbSNP rs1320203837, ClinGen allele CA377341360.

ClinVar aggregate classification (germline): Uncertain significance (1 of 4 stars; one submission).

Allele frequency attached by ClinVar (database versions not stated): TOPMed below 0.00001; gnomAD exomes 0.00002.
gnomAD v4.1: 24 of 1,613,820 alleles (0.0015%); highest among the groups gnomAD compares: Non-Finnish European, 0.0019%; no homozygotes.

Submission:

Labcorp Genetics (formerly Invitae), Labcorp
Classification: Uncertain significance. Last evaluated: 2021-09-17. Review status: criteria provided, single submitter. Criteria: Invitae Variant Classification Sherloc (09022015). Collection method: clinical testing. Allele origin: germline.
Comment: This sequence change replaces alanine with glycine at codon 541 of the POLR3A protein (p.Ala541Gly). The alanine residue is highly conserved and there is a small physicochemical difference between alanine and glycine. This variant is not present in population databases (ExAC no frequency). This variant has not been reported in the literature in individuals affected with POLR3A-related conditions. Algorithms developed to predict the effect of missense changes on protein structure and function are either unavailable or do not agree on the potential impact of this missense change (SIFT: "Deleterious"; PolyPhen-2: "Benign"; Align-GVGD: "Class C55"). Algorithms developed to predict the effect of sequence changes on RNA splicing suggest that this variant may create or strengthen a splice site. In summary, the available evidence is currently insufficient to determine the role of this variant in disease. Therefore, it has been classified as a Variant of Uncertain Significance.